The following is an entry in ClinVar:

NM_001256545.2(MEGF10):c.-19+8933A>G

Gene: MEGF10 (multiple EGF like domains 10; plus strand). Cytogenetic location: 5q23.2.
Variant type: single nucleotide variant.
Coding change: c.-19+8933A>G on transcript NM_001256545.2 (MANE Select); 8933 bases into the intron after 19 bases upstream of the start codon, A replaced by G.
Molecular consequence: intron variant.
Genome position (GRCh38, 1-based): chr5:127,299,989, A>G. VCF-style: chr5-127299989-A-G. GRCh37 (hg19) VCF-style: chr5-126635681-A-G.
Other names: c.-69-7A>G (NM_032446.3, NM_001308119.2); c.-19+8933A>G (NM_001308121.2).
Identifiers: ClinVar variation 384858 (VCV000384858.1), dbSNP rs1057522065, ClinGen allele CA16605235.
Genomic context (GRCh38, chr5:127,299,989, plus strand): 5'-TATGTGATTTGCTTGAGGTCACTTAGAGCTCCTAGTAATTATGTCTGTCATTGTACCTTG[A>G]TTATAGATTATCATTGCAAATCCATTAAAGAAGGAGAAGCAAGCGGATTTCAGAGAGGCA-3'

ClinVar aggregate classification (germline): Likely benign (1 of 4 stars; one submission).

Allele frequency attached by ClinVar (database versions not stated): TOPMed 0.00001 and 0.00002.

Submission:

GeneDx
Classification: Likely benign. Last evaluated: 2016-04-18. Review status: criteria provided, single submitter. Criteria: GeneDx Variant Classification (06012015). Collection method: clinical testing. Allele origin: germline. Affected: yes.
Comment: This variant is considered likely benign or benign based on one or more of the following criteria: it is a conservative change, it occurs at a poorly conserved position in the protein, it is predicted to be benign by multiple in silico algorithms, and/or has population frequency not consistent with disease.